The following is an entry in ClinVar:

Conditions:
Long QT syndrome 5 (LQT5). Identifiers: Orphanet 101016, Orphanet 768, MedGen C1867904, MONDO:0013372, OMIM 613695.

Submission:

Roden Lab, Vanderbilt University Medical Center
No classification provided (evidence only). Condition: Long QT syndrome 5. Review status: no classification provided. Collection method: in vitro. Allele origin: not applicable. Functional consequence: Effect on ion channel function.
ClinVar note: "not provided" was previously submitted as the classification for the variant. However, the classification appeared to be based only on an observation of functional data so it was converted to no classification on 2025-07-30.

NM_000219.6(KCNE1):c.134T>G (p.Leu45Arg)

Gene: KCNE1 (potassium voltage-gated channel subfamily E regulatory subunit 1; minus strand). Cytogenetic location: 21q22.12.
Variant type: single nucleotide variant.
Coding change: c.134T>G on transcript NM_000219.6 (MANE Select); coding-DNA position 134, T replaced by G.
Protein change: p.Leu45Arg; replaces leucine 45 with arginine.
Molecular consequence: missense variant.
Genome position (GRCh38, 1-based): chr21:34,449,501, A>C on the plus strand (T>G on the coding strand, the complement: KCNE1 is on the minus strand). VCF-style: chr21-34449501-A-C. GRCh37 (hg19) VCF-style: chr21-35821799-A-C.
Other names: c.134T>G, p.Leu45Arg (NM_001127668.4, NM_001127669.4, NM_001127670.4 and 4 more transcripts); short protein forms L45R.
Identifiers: ClinVar variation 3374139 (VCV003374139.2).